The following is an entry in ClinVar:

ClinVar aggregate classification (germline): Pathogenic (1 of 4 stars; one submission).

Submission:

Labcorp Genetics (formerly Invitae), Labcorp
Classification: Pathogenic. Last evaluated: 2023-08-30. Review status: criteria provided, single submitter. Criteria: Invitae Variant Classification Sherloc (09022015). Collection method: clinical testing. Allele origin: germline.
Comment: For these reasons, this variant has been classified as Pathogenic. This variant disrupts a region of the PROKR2 protein in which other variant(s) (p.Pro290Ser) have been determined to be pathogenic for autosomal recessive Kallman syndrome (PMID: 18826963, 24031091, 24753254, 24830383, 29161432, 34539727, 35173048). This suggests that this is a clinically significant region of the protein, and that variants that disrupt it are likely to be disease-causing. This variant has not been reported in the literature in individuals affected with PROKR2-related conditions. This variant is not present in population databases (gnomAD no frequency). This sequence change creates a premature translational stop signal (p.Val131Serfs*31) in the PROKR2 gene. While this is not anticipated to result in nonsense mediated decay, it is expected to disrupt the last 254 amino acid(s) of the PROKR2 protein.

Literature cited by the submitters: PubMed 18826963; PubMed 24031091; PubMed 24753254; PubMed 24830383; PubMed 29161432; PubMed 34539727; PubMed 35173048.

NM_144773.4(PROKR2):c.390del (p.Val131fs)

Gene: PROKR2 (prokineticin receptor 2; minus strand). Cytogenetic location: 20p12.3.
Variant type: Deletion.
Coding change: c.390del on transcript NM_144773.4 (MANE Select); coding-DNA position 390, one base deleted (C; older notation c.390delC).
Protein change: p.Val131fs; shifts the reading frame from valine 131.
Molecular consequence: frameshift variant.
Genome position (GRCh38, 1-based): chr20:5,313,980, G deleted on the plus strand (C on the coding strand, the reverse complement: PROKR2 is on the minus strand); the first of 2 consecutive G bases (chr20:5,313,980-5,313,981); deleting either gives the same sequence. VCF-style (leftmost placement, unchanged base first): chr20-5313979-CG-C. GRCh37 (hg19) VCF-style: chr20-5294625-CG-C.
Other names: short protein forms V131fs.
Identifiers: ClinVar variation 2987105 (VCV002987105.3), dbSNP rs2515240742, ClinGen allele CA2740096992.
Genomic context (GRCh38, chr20:5,313,979, plus strand): 5'-TGGCAATGGCCAGCAAGGCATTGGTGGAGACGTAGAGGGAGACGGTGCGCAGGTAGTTGA[CG>C]GAGGCACAGAGCACGTGGCCATGCTCCCAGGAGAGCTGCCGTACCACGTAGTAGTCCATC-3'